The following is an entry in ClinVar:

ClinVar aggregate classification (germline): Uncertain significance. Review status: criteria provided, multiple submitters, no conflicts (2 of 4 stars). 2 submissions from 2 submitters: Uncertain significance (2). Last evaluated 2023-11-29.

Conditions:
Inborn genetic diseases. Identifiers: MedGen C0950123, MeSH D030342.

Submissions (2):

GeneDx
Classification: Uncertain significance. Last evaluated: 2023-11-29. Review status: criteria provided, single submitter. Criteria: GeneDx Variant Classification Process June 2021. Collection method: clinical testing. Allele origin: germline. Affected: yes.
Comment: Not observed at significant frequency in large population cohorts (gnomAD); In silico analysis supports that this missense variant has a deleterious effect on protein structure/function; Has not been previously published as pathogenic or benign to our knowledge; This variant is associated with the following publications: (PMID: 25942534, 25678562, 23521649)

Ambry Genetics
Classification: Uncertain significance for Inborn genetic diseases. Last evaluated: 2022-02-01. Review status: criteria provided, single submitter. Criteria: Ambry Variant Classification Scheme 2023. Collection method: clinical testing. Allele origin: germline.
Comment: The p.L516P variant (also known as c.1547T>C), located in coding exon 19 of the DNMT1 gene, results from a T to C substitution at nucleotide position 1547. The leucine at codon 516 is replaced by proline, an amino acid with similar properties. This amino acid position is highly conserved in available vertebrate species. In addition, this alteration is predicted to be deleterious by in silico analysis. Since supporting evidence is limited at this time, the clinical significance of this alteration remains unclear.

NM_001130823.3(DNMT1):c.1595T>C (p.Leu532Pro)

Gene: DNMT1 (DNA methyltransferase 1; minus strand). Cytogenetic location: 19p13.2.
Variant type: single nucleotide variant.
Coding change: c.1595T>C on transcript NM_001130823.3 (MANE Select); coding-DNA position 1595, T replaced by C.
Protein change: p.Leu532Pro; replaces leucine 532 with proline.
Molecular consequence: missense variant.
Genome position (GRCh38, 1-based): chr19:10,154,954, A>G on the plus strand (T>C on the coding strand, the complement: DNMT1 is on the minus strand). VCF-style: chr19-10154954-A-G. GRCh37 (hg19) VCF-style: chr19-10265630-A-G.
Other names: c.1547T>C, p.Leu516Pro (NM_001318730.2, NM_001379.4); c.1232T>C, p.Leu411Pro (NM_001318731.2); short protein forms L411P, L516P, L532P.
Identifiers: ClinVar variation 1774966 (VCV001774966.3), dbSNP rs2513822906, ClinGen allele CA403935924.